The following is an entry in ClinVar:

ClinVar aggregate classification (germline): Pathogenic/Likely pathogenic. Review status: criteria provided, multiple submitters, no conflicts (2 of 4 stars). 10 submissions from 10 submitters: Pathogenic (4); Likely pathogenic (5). 1 of the submissions does not count toward it. Last evaluated 2026-05-13.

Conditions:
Menke-Hennekam syndrome 1 (MKHK1). Identifiers: MedGen C5193034, MONDO:0020763, OMIM 618332.
Inborn genetic diseases. Identifiers: MedGen C0950123, MeSH D030342.
Rubinstein-Taybi syndrome due to CREBBP mutations (RSTS1). Also called: BROAD THUMBS AND GREAT TOES, CHARACTERISTIC FACIES, AND IMPAIRED INTELLECTUAL DEVELOPMENT; RUBINSTEIN-TAYBI SYNDROME 1, INCOMPLETE; RUBINSTEIN SYNDROME; Rubinstein-Taybi syndrome 1; BROAD THUMB-HALLUX SYNDROME; CREBBP-Related Rubinstein-Taybi Syndrome. Identifiers: Orphanet 353277, Orphanet 783, MedGen C4551859, MONDO:0008393, OMIM 180849.
CREBBP-related disorder. Also called: CREBBP-related disorders; CREBBP-related condition.
Autosomal dominant CREBBP-related disorders.

Submissions (10):

Greenwood Genetic Center Diagnostic Laboratories, Greenwood Genetic Center
Classification: Pathogenic for CREBBP-related disorder. Last evaluated: 2026-05-13. Review status: criteria provided, single submitter. Criteria: ACMG Guidelines, 2015. Collection method: clinical testing. Allele origin: germline. Affected: yes.
Comment: PS2_Very Strong, PM2, PM4

Victorian Clinical Genetics Services, Murdoch Childrens Research Institute
Classification: Pathogenic for Menke-Hennekam syndrome 1. Last evaluated: 2025-12-03. Review status: criteria provided, single submitter. Criteria: ACMG Guidelines, 2015. Collection method: clinical testing. Allele origin: germline. Affected: yes.
Comment: This variant is classified as Pathogenic. Evidence in support of pathogenic classification: In-frame insertion/deletion in a non-repetitive region that has high conservation; Variant is absent from gnomAD (v2, v3 and v4); This variant has strong previous evidence of pathogenicity in unrelated individuals. This variant has been classified as likely pathogenic/pathogenic by clinical laboratories in ClinVar. Additionally, it has been reported de novo in the literature in an individual with Menke-Hennekam syndrome (PMID: 32839936); Additional information: This variant is heterozygous; This gene is associated with autosomal dominant disease; No published evidence of segregation with disease has been identified for this variant; No published functional evidence has been identified for this variant; No comparable in-frame deletion variants have previous evidence for pathogenicity; Variant is located in the annotated histone acetylation protein domain (DECIPHER) in exon 30. - Loss of function is a known mechanism of disease in this gene and is associated with Menke-Hennekam syndrome 1 (MIM#618332) and Rubinstein-Taybi syndrome 1 (MIM#180849).

Variantyx, Inc.
Classification: Likely pathogenic for Autosomal dominant CREBBP-related disorders. Last evaluated: 2025-11-05. Review status: criteria provided, single submitter. Criteria: Variantyx Assertion Criteria 2022. Collection method: clinical testing. Allele origin: de novo. Inheritance: Autosomal dominant inheritance. Affected: yes.
Comment: This is an inframe deletion variant in the CREBBP gene (OMIM: 600140). Pathogenic variants in this gene have been associated with autosomal dominant CREBBP-related disorders. This variant likely occurred de novo in individuals reported in the published literature; however, the possibility of parental germline mosaicism cannot be excluded (PMID: 32839936) (PS2_Moderate). This variant causes an in-frame deletion of a single amino acid at position 1633 of the CREBBP protein (PM4_Supporting). The alteration lies within a known hotspot for pathogenic variants or a well-established critical functional domain of the CREBBP protein (PMID: 32839936) (PM1), and it is absent from control populations (PM2). Based on the current evidence, this variant is classified as likely pathogenic for autosomal dominant CREBBP-related disorders. Of note, pathogenic missense variants in exon 30 or 31 of the CREBBP gene have been associated with Menke-Hennekam syndrome 1 (PMID: 29460469). The variant identified in the current proband is in exon 30, however, this variant has been referenced in the literature in a patient who is reported to have Rubinstein-Taybi syndrome 1 (PMID: 32839936).

Ambry Genetics
Classification: Pathogenic for Inborn genetic diseases. Last evaluated: 2024-09-05. Review status: criteria provided, single submitter. Criteria: Ambry Variant Classification Scheme 2023. Collection method: clinical testing. Allele origin: germline.
Comment: The c.4897_4899delTTC (p.F1633del) alteration, located in coding exon 30 of the CREBBP gene, results in an in-frame deletion at nucleotide positions c.4897 to c.4899. This results in the deletion of a phenylalanine residue at codon 1633. for Menke-Hennekam syndrome; however, its clinical significance for Rubinstein-Taybi syndrome is uncertain. This variant was not reported in population-based cohorts in the Genome Aggregation Database (gnomAD). This variant has been determined to be the result of a de novo mutation in multiple individuals with features consistent with Menke-Hennekam syndrome (Wang, 2021; external communication). This amino acid position is highly conserved in available vertebrate species. This alteration is predicted to be deleterious by in silico analysis (Choi, 2012). Based on the available evidence, this alteration is classified as pathogenic.

Blueprint Genetics
Classification: Likely pathogenic for CREBBP-related disorders. Last evaluated: 2024-08-07. Review status: criteria provided, single submitter. Criteria: ACMG Guidelines, 2015. Collection method: clinical testing. Allele origin: germline. Affected: yes. Observed: 1 variant allele.

Institute of Human Genetics, FAU Erlangen, Friedrich-Alexander-Universität Erlangen-Nürnberg
Classification: Likely pathogenic for Menke-Hennekam syndrome 1. Last evaluated: 2023-09-28. Review status: criteria provided, single submitter. Criteria: Hauer et al. (Genet Med. 2018). Collection method: clinical testing. Allele origin: germline. Inheritance: Autosomal dominant inheritance. Affected: yes. Observed: 1 variant allele.
Comment: This variant has been identified by standard clinical testing. de novo Selected ACMG criteria: Likely pathogenic (II):PP5;PM2;PS2

3billion
Classification: Likely pathogenic for Rubinstein-Taybi syndrome due to CREBBP mutations. Last evaluated: 2023-02-23. Review status: criteria provided, single submitter. Criteria: ACMG Guidelines, 2015. Collection method: clinical testing. Allele origin: unknown. Affected: yes.
Comment: The variant is not observed in the gnomAD v2.1.1 dataset. Inframe deletion located in a nonrepeat region was predicted to change the length of the protein and disrupt normal protein function. The variant has been previously reported as assumed (i.e. paternity and maternity not confirmed) de novo in at least one similarly affected unrelated individual (PMID: 32839936). The variant has been reported to be associated with CREBBP related disorder (PMID: 32839936). Therefore, this variant is classified as Likely pathogenic according to the recommendation of ACMG/AMP guideline.

Baylor Genetics
Classification: Likely pathogenic for Rubinstein-Taybi syndrome due to CREBBP mutations. Last evaluated: 2022-11-16. Review status: criteria provided, single submitter. Criteria: ACMG Guidelines, 2015. Collection method: clinical testing. Allele origin: unknown.

GeneDx
Classification: Pathogenic. Last evaluated: 2022-08-18. Review status: criteria provided, single submitter. Criteria: GeneDx Variant Classification Process June 2021. Collection method: clinical testing. Allele origin: germline. Affected: yes.
Comment: In-frame deletion of 1 amino acid in a non-repeat region predicted to critically alter the protein; Not observed at significant frequency in large population cohorts (gnomAD); In silico analysis supports a deleterious effect on protein structure/function; This variant is associated with the following publications: (PMID: 32839936)

Institute for Medical Genetics and Human Genetics, Charité - Universitätsmedizin Berlin
Classification: Uncertain significance for Menke-Hennekam syndrome 1. Review status: flagged submission. Criteria: ACMG Guidelines, 2015. Collection method: not provided. Allele origin: germline. Inheritance: Autosomal dominant inheritance. Affected: yes. Not counted in ClinVar's aggregate classification.
ClinVar note: Reason: Claim with insufficient supporting evidence

Literature cited by the submitters: PubMed 32839936 (cited by 4 submitters).

NM_004380.3(CREBBP):c.4894TTC[1] (p.Phe1633del)

Gene: CREBBP (CREB binding lysine acetyltransferase; minus strand). Cytogenetic location: 16p13.3.
Variant type: Microsatellite.
Coding change: c.4894TTC[1] on transcript NM_004380.3 (MANE Select); one copy of the 3-base unit TTC starting at c.4894; the reference has two copies in a row; one copy, 3 bases deleted; also written c.4897_4899del.
Protein change: p.Phe1633del; deletes phenylalanine 1633.
Molecular consequence: inframe deletion.
Genome position (GRCh38, 1-based): chr16:3,731,465-3,731,467, GAA deleted on the plus strand (TTC on the coding strand, the reverse complement: CREBBP is on the minus strand); deleting any 3 consecutive bases within chr16:3,731,465-3,731,472 gives the same sequence; the position shown is the placement nearest the transcript's 3' end. VCF-style (leftmost placement, unchanged base first): chr16-3731464-CGAA-C. GRCh37 (hg19) VCF-style: chr16-3781465-CGAA-C.
Other names: c.4897_4899del (NM_004380.3); c.4780TTC[1], p.Phe1595del (NM_001079846.1); c.4897_4899delTTC (NM_004380.2); short protein forms F1633del, F1595del.
Identifiers: ClinVar variation 521159 (VCV000521159.12), dbSNP rs1555471931, ClinGen allele CA658798526.